The following is an entry in ClinVar:

ClinVar aggregate classification (germline): Uncertain significance (1 of 4 stars; one submission).

Conditions:
Progressive myoclonic epilepsy type 5. Identifiers: Orphanet 402082, MedGen C5190799.

gnomAD v4.1: 1 of 1,614,250 alleles (0.000062%); highest among the groups gnomAD compares: South Asian, 0.0011%; no homozygotes.

Submission:

Labcorp Genetics (formerly Invitae), Labcorp
Classification: Uncertain significance for Progressive myoclonic epilepsy type 5. Last evaluated: 2025-08-04. Review status: criteria provided, single submitter. Criteria: Invitae Variant Classification Sherloc (09022015). Collection method: clinical testing. Allele origin: germline.
Comment: This sequence change replaces serine, which is neutral and polar, with asparagine, which is neutral and polar, at codon 337 of the PRICKLE2 protein (p.Ser337Asn). This variant is not present in population databases (gnomAD no frequency). This variant has not been reported in the literature in individuals affected with PRICKLE2-related conditions. ClinVar contains an entry for this variant (Variation ID: 1409944). Invitae Evidence Modeling of protein sequence and biophysical properties (such as structural, functional, and spatial information, amino acid conservation, physicochemical variation, residue mobility, and thermodynamic stability) indicates that this missense variant is not expected to disrupt PRICKLE2 protein function with a negative predictive value of 80%. In summary, the available evidence is currently insufficient to determine the role of this variant in disease. Therefore, it has been classified as a Variant of Uncertain Significance.

NM_198859.4(PRICKLE2):c.1010G>A (p.Ser337Asn)

Gene: PRICKLE2 (prickle planar cell polarity protein 2; minus strand). Cytogenetic location: 3p14.1.
Variant type: single nucleotide variant.
Coding change: c.1010G>A on transcript NM_198859.4 (MANE Select); coding-DNA position 1010, G replaced by A.
Protein change: p.Ser337Asn; replaces serine 337 with asparagine.
Molecular consequence: missense variant.
Genome position (GRCh38, 1-based): chr3:64,147,480, C>T on the plus strand (G>A on the coding strand, the complement: PRICKLE2 is on the minus strand). VCF-style: chr3-64147480-C-T. GRCh37 (hg19) VCF-style: chr3-64133156-C-T.
Other names: c.1010G>A, p.Ser337Asn (NM_001370528.1); short protein forms S337N.
Identifiers: ClinVar variation 1409944 (VCV001409944.8), dbSNP rs750388947, ClinGen allele CA353431870.